The following is an entry in ClinVar:

ClinVar aggregate classification (germline): Uncertain significance (1 of 4 stars; one submission).

gnomAD v4.1: 1 of 1,613,870 alleles (0.000062%); highest among the groups gnomAD compares: Non-Finnish European, 0.000085%; no homozygotes.

Submission:

GeneDx
Classification: Uncertain significance. Last evaluated: 2026-03-10. Review status: criteria provided, single submitter. Criteria: GeneDx Variant Classification Process June 2021. Collection method: clinical testing. Allele origin: germline.
Comment: Not observed at significant frequency in large population cohorts (gnomAD); In silico analysis indicates that this missense variant does not alter protein structure/function; Has not been previously published as pathogenic or benign to our knowledge

NM_016333.4(SRRM2):c.6805A>G (p.Asn2269Asp)

Gene: SRRM2 (serine/arginine repetitive matrix 2; plus strand). Cytogenetic location: 16p13.3.
Variant type: single nucleotide variant.
Coding change: c.6805A>G on transcript NM_016333.4 (MANE Select); coding-DNA position 6805, A replaced by G.
Protein change: p.Asn2269Asp; replaces asparagine 2269 with aspartic acid.
Molecular consequence: missense variant.
Genome position (GRCh38, 1-based): chr16:2,767,333, A>G. VCF-style: chr16-2767333-A-G. GRCh37 (hg19) VCF-style: chr16-2817334-A-G.
Other names: short protein forms N2269D.
Identifiers: ClinVar variation 4527488 (VCV004527488.2).